The following is an entry in ClinVar:

NM_001039469.3(MARK2):c.2006+2T>G

Gene: MARK2 (microtubule affinity regulating kinase 2; plus strand). Cytogenetic location: 11q13.1.
Variant type: single nucleotide variant.
Coding change: c.2006+2T>G on transcript NM_001039469.3 (MANE Select); the canonical splice donor site of the intron after coding-DNA position 2006, T replaced by G.
Molecular consequence: splice donor variant. On other transcripts: intron variant (2).
Genome position (GRCh38, 1-based): chr11:63,908,306, T>G. VCF-style: chr11-63908306-T-G. GRCh37 (hg19) VCF-style: chr11-63675778-T-G.
Other names: c.1800-571T>G (NM_001163296.2); c.1814+2T>G (NM_004954.5); c.1770-571T>G (NM_001163297.2); c.1877+2T>G (NM_017490.4).
Identifiers: ClinVar variation 4853934 (VCV004853934.1).

ClinVar aggregate classification (germline): Likely pathogenic (1 of 4 stars; one submission).

Conditions:
Intellectual developmental disorder, autosomal dominant 76. Identifiers: MedGen C6012756, MONDO:0979575, OMIM 621285.

Submission:

3billion
Classification: Likely pathogenic for Intellectual developmental disorder, autosomal dominant 76. Last evaluated: 2025-12-29. Review status: criteria provided, single submitter. Criteria: ACMG Guidelines, 2015. Collection method: clinical testing. Allele origin: germline. Affected: yes.
Comment: The variant is not observed in the gnomAD v4.1.0 dataset. Predicted Consequence/Location: Canonical splice site: predicted to alter splicing and result in a loss or disruption of normal protein function. Multiple pathogenic variants are reported in the predicted truncated region. In silico tools predict the variant to alter splicing and produce an abnormal transcript [SpliceAI: 0.99 (spliceogenicity >=0.2, non-spliceogenicity <0.1)]. Therefore, this variant is classified as Likely pathogenic according to the recommendation of ACMG/AMP guideline.